The following is an entry in ClinVar:

ClinVar aggregate classification (germline): Likely benign. Review status: criteria provided, multiple submitters, no conflicts (2 of 4 stars). 7 submissions from 6 submitters: Likely benign (6). 1 of the submissions does not count toward it. Last evaluated 2026-02-02.

Conditions:
NOTCH1-related disorder. Also called: NOTCH1-related condition; NOTCH1-related disorders.
Adams-Oliver syndrome 5 (AOS5). Identifiers: Orphanet 974, MedGen C4014970, MONDO:0014459, OMIM 616028.
Aortic valve disease 1 (AOVD1). Identifiers: MedGen C3887892, MONDO:0024523, OMIM 109730.
Familial thoracic aortic aneurysm and aortic dissection (TAAD). Also called: Thoracic aortic aneurysms and dissections. Identifiers: Orphanet 91387, MedGen C4707243, MONDO:0019625.

Allele frequency attached by ClinVar (database versions not stated): ESP Exome Variant Server 0.00015; 1000 Genomes Project 0.00020; TOPMed 0.00040; gnomAD 0.00048 and 0.00051; 1000 Genomes Project 30x 0.00062; gnomAD exomes 0.00005 and 0.00012; ExAC 0.00010.
gnomAD v4.1: 141 of 1,610,024 alleles (0.0088%); highest among the groups gnomAD compares: African/African-American, 0.15%; no homozygotes.

Submissions (7):

Labcorp Genetics (formerly Invitae), Labcorp
Classification: Likely benign for Adams-Oliver syndrome 5. Last evaluated: 2026-02-02. Review status: criteria provided, single submitter. Criteria: Invitae Variant Classification Sherloc (09022015). Collection method: clinical testing. Allele origin: germline.

Genome-Nilou Lab
Classification: Likely benign for Adams-Oliver syndrome 5. Last evaluated: 2022-03-15. Review status: criteria provided, single submitter. Criteria: ACMG Guidelines, 2015. Collection method: clinical testing. Allele origin: germline. Affected: no.

Genome-Nilou Lab
Classification: Likely benign for Aortic valve disease 1. Last evaluated: 2022-03-15. Review status: criteria provided, single submitter. Criteria: ACMG Guidelines, 2015. Collection method: clinical testing. Allele origin: germline. Affected: no.

Ambry Genetics
Classification: Likely benign for Familial thoracic aortic aneurysm and aortic dissection. Last evaluated: 2021-05-06. Review status: criteria provided, single submitter. Criteria: Ambry Variant Classification Scheme 2023. Collection method: clinical testing. Allele origin: germline.

GeneDx
Classification: Likely benign. Last evaluated: 2020-03-05. Review status: criteria provided, single submitter. Criteria: GeneDx Variant Classification Process June 2021. Collection method: clinical testing. Allele origin: germline. Affected: yes.

Blueprint Genetics
Classification: Likely benign. Last evaluated: 2019-11-26. Review status: criteria provided, single submitter. Criteria: ACMG Guidelines, 2015. Collection method: clinical testing. Allele origin: germline.

PreventionGenetics, part of Exact Sciences
Classification: Likely benign for NOTCH1-related condition. Last evaluated: 2023-12-26. Review status: no assertion criteria provided. Collection method: clinical testing. Allele origin: germline. Not counted in ClinVar's aggregate classification.
Comment: This variant is classified as likely benign based on ACMG/AMP sequence variant interpretation guidelines (Richards et al. 2015 PMID: 25741868, with internal and published modifications).

NM_017617.5(NOTCH1):c.5781G>A (p.Thr1927=)

Gene: NOTCH1 (notch receptor 1; minus strand). Cytogenetic location: 9q34.3.
Variant type: single nucleotide variant.
Coding change: c.5781G>A on transcript NM_017617.5 (MANE Select); coding-DNA position 5781, G replaced by A.
Protein change: p.Thr1927=; no amino-acid change (threonine 1927 retained).
Molecular consequence: synonymous variant.
Genome position (GRCh38, 1-based): chr9:136,500,705, C>T on the plus strand (G>A on the coding strand, the complement: NOTCH1 is on the minus strand). VCF-style: chr9-136500705-C-T. GRCh37 (hg19) VCF-style: chr9-139395157-C-T.
Other names: c.5781G>A, p.Thr1927= (LRG_1122t1); c.5781G>A (NM_017617.4).
Identifiers: ClinVar variation 544204 (VCV000544204.21), dbSNP rs367587437, ClinGen allele CA5340129.